The following is an entry in ClinVar:

ClinVar aggregate classification (germline): Uncertain significance (1 of 4 stars; one submission).

Conditions:
Glanzmann thrombasthenia. Also called: PLATELET GLYCOPROTEIN IIb-IIIa DEFICIENCY; BLEEDING DISORDER, PLATELET-TYPE, 2; THROMBASTHENIA OF GLANZMANN AND NAEGELI; Glanzmann's thrombasthenia; Thrombasthenia. Identifiers: Orphanet 849, MedGen C0040015, MONDO:0100326.

gnomAD v4.1: 7 of 1,614,250 alleles (0.00043%); highest among the groups gnomAD compares: Non-Finnish European, 0.00059%; no homozygotes.

Submission:

Labcorp Genetics (formerly Invitae), Labcorp
Classification: Uncertain significance for Glanzmann thrombasthenia. Last evaluated: 2025-09-29. Review status: criteria provided, single submitter. Criteria: Invitae Variant Classification Sherloc (09022015). Collection method: clinical testing. Allele origin: germline.
Comment: This sequence change replaces proline, which is neutral and non-polar, with serine, which is neutral and polar, at codon 443 of the ITGA2B protein (p.Pro443Ser). This variant is not present in population databases (gnomAD no frequency). This variant has not been reported in the literature in individuals affected with ITGA2B-related conditions. An algorithm developed to predict the effect of missense changes on protein structure and function outputs the following: PolyPhen-2: "Benign". The serine amino acid residue is found in multiple mammalian species, which suggests that this missense change does not adversely affect protein function. In summary, the available evidence is currently insufficient to determine the role of this variant in disease. Therefore, it has been classified as a Variant of Uncertain Significance.

NM_000419.5(ITGA2B):c.1327C>T (p.Pro443Ser)

Gene: ITGA2B (integrin subunit alpha 2b; minus strand). Cytogenetic location: 17q21.31.
Variant type: single nucleotide variant.
Coding change: c.1327C>T on transcript NM_000419.5 (MANE Select); coding-DNA position 1327, C replaced by T.
Protein change: p.Pro443Ser; replaces proline 443 with serine.
Molecular consequence: missense variant.
Genome position (GRCh38, 1-based): chr17:44,380,945, G>A on the plus strand (C>T on the coding strand, the complement: ITGA2B is on the minus strand). VCF-style: chr17-44380945-G-A. GRCh37 (hg19) VCF-style: chr17-42458313-G-A.
Other names: short protein forms P443S.
Identifiers: ClinVar variation 4754190 (VCV004754190.1).
Genomic context (GRCh38, chr17:44,380,945, plus strand): 5'-ATCCGTTGTCATCGATGTCTACGGCACCTCGAAGGGAGAAGCCAAAGGCAGAGCCTGTGG[G>A]GAAGGGGCTGTCCAGGACCTGGGAGGGACGTGACCTCAGCCCCTCACTCTGACCCAGGAA-3'
Protein context (NP_000410.2, residues 433-453): RPSQVLDSPF[Pro443Ser]TGSAFGFSLR